The following is an entry in ClinVar:

ClinVar aggregate classification (germline): Uncertain significance (1 of 4 stars; one submission).

Conditions:
Cohen syndrome (COH1). Also called: PEPPER SYNDROME; Cutis verticis gyrata, retinitis pigmentosa, and sensorineural deafness. Identifiers: Orphanet 193, MedGen C0265223, MONDO:0008999, OMIM 216550.

Allele frequency attached by ClinVar (database versions not stated): gnomAD exomes 0.00001.
gnomAD v4.1: 16 of 1,595,230 alleles (0.001%); highest among the groups gnomAD compares: Non-Finnish European, 0.0012%; no homozygotes.

Submission:

Labcorp Genetics (formerly Invitae), Labcorp
Classification: Uncertain significance for Cohen syndrome. Last evaluated: 2024-05-22. Review status: criteria provided, single submitter. Criteria: Invitae Variant Classification Sherloc (09022015). Collection method: clinical testing. Allele origin: germline.
Comment: This sequence change replaces arginine, which is basic and polar, with tryptophan, which is neutral and slightly polar, at codon 3757 of the VPS13B protein (p.Arg3757Trp). This variant is not present in population databases (gnomAD no frequency). This variant has not been reported in the literature in individuals affected with VPS13B-related conditions. ClinVar contains an entry for this variant (Variation ID: 2154565). Advanced modeling of protein sequence and biophysical properties (such as structural, functional, and spatial information, amino acid conservation, physicochemical variation, residue mobility, and thermodynamic stability) performed at Invitae indicates that this missense variant is expected to disrupt VPS13B protein function with a positive predictive value of 80%. In summary, the available evidence is currently insufficient to determine the role of this variant in disease. Therefore, it has been classified as a Variant of Uncertain Significance.

NM_152564.5(VPS13B):c.11194C>T (p.Arg3732Trp)

Gene: VPS13B (vacuolar protein sorting 13 homolog B; plus strand). Cytogenetic location: 8q22.2.
Variant type: single nucleotide variant.
Coding change: c.11194C>T on transcript NM_152564.5 (MANE Select); coding-DNA position 11194, C replaced by T.
Protein change: p.Arg3732Trp; replaces arginine 3732 with tryptophan.
Molecular consequence: missense variant.
Genome position (GRCh38, 1-based): chr8:99,861,925, C>T. VCF-style: chr8-99861925-C-T. GRCh37 (hg19) VCF-style: chr8-100874153-C-T.
Other names: c.11269C>T, p.Arg3757Trp (NM_017890.5); short protein forms R3732W, R3757W.
Identifiers: ClinVar variation 2154565 (VCV002154565.2), dbSNP rs1348080384, ClinGen allele CA371790724.